The following is an entry in ClinVar:

NM_004655.4(AXIN2):c.1329dup (p.Ser444fs)

Gene: AXIN2 (axin 2; minus strand). Cytogenetic location: 17q24.1.
Variant type: Duplication.
Coding change: c.1329dup on transcript NM_004655.4 (MANE Select); coding-DNA position 1329, one base duplicated (G; older notation c.1329dupG).
Protein change: p.Ser444fs; shifts the reading frame from serine 444.
Molecular consequence: frameshift variant.
Genome position (GRCh38, 1-based): chr17:65,537,707, C duplicated on the plus strand (G on the coding strand, the reverse complement: AXIN2 is on the minus strand). VCF-style (leftmost placement, unchanged base first): chr17-65537706-A-AC. GRCh37 (hg19) VCF-style: chr17-63533824-A-AC.
Other names: c.1329dup, p.Ser444fs (NM_001363813.1); c.1329dupG (NM_004655.3); short protein forms S444fs.
Identifiers: ClinVar variation 1454178 (VCV001454178.7), dbSNP rs2144465819, ClinGen allele CA2573154697.
Genomic context (GRCh38, chr17:65,537,706, plus strand): 5'-AGCGGGGGCTATAGCGGCCTACGCCTGGAGACTGGCAGCCAGGGGTCTTGAGGACCCTGG[A>AC]CAGGTGATCGTCCAGTATCGTCTGCGGGTCTTCCTCGTAGCTGCCGGAGGGCAGTAGGGA-3'

ClinVar aggregate classification (germline): Pathogenic. Review status: criteria provided, multiple submitters, no conflicts (2 of 4 stars). 2 submissions from 2 submitters: Pathogenic (2). Last evaluated 2025-01-14.

Conditions:
Oligodontia-cancer predisposition syndrome. Also called: TOOTH AGENESIS-COLORECTAL CANCER SYNDROME. Identifiers: Orphanet 300576, MedGen C1837750, MONDO:0012075, OMIM 608615. Disease mechanism: loss of function.
Hereditary cancer-predisposing syndrome. Also called: Tumor predisposition; Neoplastic Syndromes, Hereditary; Hereditary Cancer Syndrome; Hereditary neoplastic syndrome. Identifiers: Orphanet 140162, MedGen C0027672, MeSH D009386, MONDO:0015356.

Submissions (2):

Ambry Genetics
Classification: Pathogenic for Hereditary cancer-predisposing syndrome. Last evaluated: 2025-01-14. Review status: criteria provided, single submitter. Criteria: Ambry Variant Classification Scheme 2023. Collection method: clinical testing. Allele origin: germline.
Comment: The c.1329dupG pathogenic mutation, located in coding exon 5 of the AXIN2 gene, results from a duplication of G at nucleotide position 1329, causing a translational frameshift with a predicted alternate stop codon (p.S444Vfs*18). This variant was reported in individual(s) with features consistent with AXIN2-associated disease (Ambry internal data). This variant is considered to be rare based on population cohorts in the Genome Aggregation Database (gnomAD). This alteration is expected to result in loss of function by premature protein truncation or nonsense-mediated mRNA decay. As such, this alteration is interpreted as a disease-causing mutation.

Labcorp Genetics (formerly Invitae), Labcorp
Classification: Pathogenic for Oligodontia-cancer predisposition syndrome. Last evaluated: 2021-09-21. Review status: criteria provided, single submitter. Criteria: Invitae Variant Classification Sherloc (09022015). Collection method: clinical testing. Allele origin: germline.
Comment: This sequence change creates a premature translational stop signal (p.Ser444Valfs*18) in the AXIN2 gene. It is expected to result in an absent or disrupted protein product. Loss-of-function variants in AXIN2 are known to be pathogenic (PMID: 15042511, 21416598). This variant is not present in population databases (ExAC no frequency). This variant has not been reported in the literature in individuals affected with AXIN2-related conditions. For these reasons, this variant has been classified as Pathogenic.

Literature cited by the submitters: PubMed 15042511 (cited by Labcorp Genetics (formerly Invitae), Labcorp); PubMed 21416598 (cited by Labcorp Genetics (formerly Invitae), Labcorp).